The following is an entry in ClinVar:

ClinVar aggregate classification (germline): Uncertain significance. Review status: criteria provided, multiple submitters, no conflicts (2 of 4 stars). 3 submissions from 3 submitters: Uncertain significance (3). Last evaluated 2025-10-26.

Conditions:
Nephrolithiasis/nephrocalcinosis. Identifiers: MedGen CN580796.
Primary hyperoxaluria, type II (HP2). Also called: D-GLYCERATE DEHYDROGENASE DEFICIENCY; GLYCERIC ACIDURIA; GLYOXYLATE REDUCTASE/HYDROXYPYRUVATE REDUCTASE DEFICIENCY; OXALOSIS II; Primary hyperoxaluria type 2. Identifiers: Orphanet 416, Orphanet 93599, MedGen C0268165, MONDO:0009824, OMIM 260000. Disease mechanism: loss of function.

Allele frequency attached by ClinVar (database versions not stated): gnomAD exomes 0.00001; ExAC 0.00003; gnomAD 0.00003; TOPMed 0.00007.
gnomAD v4.1: 24 of 1,613,962 alleles (0.0015%); highest among the groups gnomAD compares: Admixed American, 0.027%; no homozygotes.

Submissions (3):

Labcorp Genetics (formerly Invitae), Labcorp
Classification: Uncertain significance. Last evaluated: 2025-10-26. Review status: criteria provided, single submitter. Criteria: Invitae Variant Classification Sherloc (09022015). Collection method: clinical testing. Allele origin: germline.
Comment: This sequence change replaces valine, which is neutral and non-polar, with isoleucine, which is neutral and non-polar, at codon 249 of the GRHPR protein (p.Val249Ile). This variant is present in population databases (rs769568097, gnomAD 0.04%). This variant has not been reported in the literature in individuals affected with GRHPR-related conditions. ClinVar contains an entry for this variant (Variation ID: 2469721). Invitae Evidence Modeling of protein sequence and biophysical properties (such as structural, functional, and spatial information, amino acid conservation, physicochemical variation, residue mobility, and thermodynamic stability) indicates that this missense variant is not expected to disrupt GRHPR protein function with a negative predictive value of 95%. In summary, the available evidence is currently insufficient to determine the role of this variant in disease. Therefore, it has been classified as a Variant of Uncertain Significance.

Ambry Genetics
Classification: Uncertain significance for Nephrolithiasis/nephrocalcinosis. Last evaluated: 2025-07-15. Review status: criteria provided, single submitter. Criteria: Ambry Variant Classification Scheme 2023. Collection method: clinical testing. Allele origin: germline.

Fulgent Genetics
Classification: Uncertain significance for Primary hyperoxaluria, type II. Last evaluated: 2024-01-05. Review status: criteria provided, single submitter. Criteria: ACMG Guidelines, 2015. Collection method: clinical testing. Allele origin: germline.

NM_012203.2(GRHPR):c.745G>A (p.Val249Ile)

Gene: GRHPR (glyoxylate and hydroxypyruvate reductase; plus strand). Cytogenetic location: 9p13.2.
Variant type: single nucleotide variant.
Coding change: c.745G>A on transcript NM_012203.2 (MANE Select); coding-DNA position 745, G replaced by A.
Protein change: p.Val249Ile; replaces valine 249 with isoleucine.
Molecular consequence: missense variant.
Genome position (GRCh38, 1-based): chr9:37,432,018, G>A. VCF-style: chr9-37432018-G-A. GRCh37 (hg19) VCF-style: chr9-37432015-G-A.
Other names: short protein forms V249I.
Identifiers: ClinVar variation 2469721 (VCV002469721.5), dbSNP rs769568097, ClinGen allele CA5059256.